The following is an entry in ClinVar:

NM_000094.4(COL7A1):c.8094C>T (p.Gly2698=)

Gene: COL7A1 (collagen type VII alpha 1 chain; minus strand). Cytogenetic location: 3p21.31.
Variant type: single nucleotide variant.
Coding change: c.8094C>T on transcript NM_000094.4 (MANE Select); coding-DNA position 8094, C replaced by T.
Protein change: p.Gly2698=; no amino-acid change (glycine 2698 retained).
Molecular consequence: synonymous variant.
Genome position (GRCh38, 1-based): chr3:48,567,143, G>A on the plus strand (C>T on the coding strand, the complement: COL7A1 is on the minus strand). VCF-style: chr3-48567143-G-A. GRCh37 (hg19) VCF-style: chr3-48604576-G-A.
Identifiers: ClinVar variation 746193 (VCV000746193.18), dbSNP rs199936185, ClinGen allele CA2378167.

ClinVar aggregate classification (germline): Benign/Likely benign. Review status: criteria provided, multiple submitters, no conflicts (2 of 4 stars). 5 submissions from 5 submitters: Benign (2); Likely benign (2). 1 of the submissions does not count toward it. Last evaluated 2026-01-26.

Conditions:
Epidermolysis bullosa dystrophica. Also called: Dystrophic epidermolysis bullosa, Hallopeau-Siemens type (formerly); Dystrophic epidermolysis bullosa. Identifiers: Orphanet 303, MedGen C0079294, MONDO:0006543.
COL7A1-related disorder. Also called: COL7A1-related condition; COL7A1- related disorders.

Allele frequency attached by ClinVar (database versions not stated): gnomAD 0.00013 and 0.00011; ExAC 0.00039; TOPMed 0.00025; 1000 Genomes Project 30x 0.00047; 1000 Genomes Project 0.00060.
gnomAD v4.1: 305 of 1,613,838 alleles (0.019%); highest among the groups gnomAD compares: East Asian, 0.41%; 1 homozygote.

Submissions (5):

Labcorp Genetics (formerly Invitae), Labcorp
Classification: Benign. Last evaluated: 2026-01-26. Review status: criteria provided, single submitter. Criteria: Invitae Variant Classification Sherloc (09022015). Collection method: clinical testing. Allele origin: germline.

PreventionGenetics, part of Exact Sciences
Classification: Likely benign for COL7A1-related condition. Last evaluated: 2024-10-18. Review status: criteria provided, single submitter. Criteria: ACMG Guidelines, 2015. Collection method: clinical testing. Allele origin: germline.
Comment: This variant is classified as likely benign based on ACMG/AMP sequence variant interpretation guidelines (Richards et al. 2015 PMID: 25741868, with internal and published modifications).

Blueprint Genetics
Classification: Likely benign. Last evaluated: 2024-08-08. Review status: criteria provided, single submitter. Criteria: ACMG Guidelines, 2015. Collection method: clinical testing. Allele origin: germline.

Illumina Laboratory Services, Illumina
Classification: Benign for Dystrophic epidermolysis bullosa. Last evaluated: 2017-04-27. Review status: criteria provided, single submitter. Criteria: ICSL Variant Classification Criteria 13 December 2019. Collection method: clinical testing. Allele origin: germline.
Comment: This variant was observed as part of a predisposition screen in an ostensibly healthy population. A literature search was performed for the gene, cDNA change, and amino acid change (where applicable). No publications were found based on this search. Allele frequency data from public databases was too high to be consistent with this variant causing disease. Therefore, this variant is classified as benign.

Natera, Inc.
Classification: Likely benign for Dystrophic epidermolysis bullosa. Last evaluated: 2019-10-24. Review status: no assertion criteria provided. Collection method: clinical testing. Allele origin: germline. Not counted in ClinVar's aggregate classification.